The following is an entry in ClinVar:

NM_001037333.3(CYFIP2):c.3296T>C (p.Ile1099Thr)

Genes: CYFIP2 (cytoplasmic FMR1 interacting protein 2; plus strand), NIPAL4-DT (NIPAL4 divergent transcript; minus strand). Cytogenetic location: 5q33.3.
Variant type: single nucleotide variant.
Coding change: c.3296T>C on transcript NM_001037333.3 (MANE Select); coding-DNA position 3296, T replaced by C.
Protein change: p.Ile1099Thr; replaces isoleucine 1099 with threonine.
Molecular consequence: missense variant.
Genome position (GRCh38, 1-based): chr5:157,389,277, T>C. VCF-style: chr5-157389277-T-C. GRCh37 (hg19) VCF-style: chr5-156816285-T-C.
Other names: c.3218T>C, p.Ile1073Thr (NM_001291721.2); c.3371T>C, p.Ile1124Thr (NM_001291722.2); c.3296T>C, p.Ile1099Thr (NM_014376.4); short protein forms I1073T, I1124T, I1099T.
Identifiers: ClinVar variation 3663167 (VCV003663167.2).
Genomic context (GRCh38, chr5:157,389,277, plus strand): 5'-TCCTGACCAAGGAGCGGCTGTGCTGTGGCCTGTCCATGTTCGAGGTCATCCTGACCCGCA[T>C]TCGGAGCTACCTGCAGGACCCCATCTGGCGGGGCCCACCGCCCACCAATGGCGTCATGCA-3'
Protein context (NP_001032410.1, residues 1089-1109): LSMFEVILTR[Ile1099Thr]RSYLQDPIWR

ClinVar aggregate classification (germline): Uncertain significance (1 of 4 stars; one submission).

Submission:

Labcorp Genetics (formerly Invitae), Labcorp
Classification: Uncertain significance. Last evaluated: 2024-10-25. Review status: criteria provided, single submitter. Criteria: Invitae Variant Classification Sherloc (09022015). Collection method: clinical testing. Allele origin: germline.
Comment: This sequence change replaces isoleucine, which is neutral and non-polar, with threonine, which is neutral and polar, at codon 1099 of the CYFIP2 protein (p.Ile1099Thr). This variant is not present in population databases (gnomAD no frequency). This variant has not been reported in the literature in individuals affected with CYFIP2-related conditions. Experimental studies and prediction algorithms are not available or were not evaluated, and the functional significance of this variant is currently unknown. In summary, the available evidence is currently insufficient to determine the role of this variant in disease. Therefore, it has been classified as a Variant of Uncertain Significance.